The following is an entry in ClinVar:

NM_020713.3(ZNF512B):c.2055G>A (p.Thr685=)

Gene: ZNF512B (zinc finger protein 512B; minus strand). Cytogenetic location: 20q13.33.
Variant type: single nucleotide variant.
Coding change: c.2055G>A on transcript NM_020713.3 (MANE Select); coding-DNA position 2055, G replaced by A.
Protein change: p.Thr685=; no amino-acid change (threonine 685 retained).
Molecular consequence: synonymous variant.
Genome position (GRCh38, 1-based): chr20:63,962,695, C>T on the plus strand (G>A on the coding strand, the complement: ZNF512B is on the minus strand). VCF-style: chr20-63962695-C-T. GRCh37 (hg19) VCF-style: chr20-62594048-C-T.
Identifiers: ClinVar variation 3041998 (VCV003041998.2), dbSNP rs11905742, ClinGen allele CA9970903.
Genomic context (GRCh38, chr20:63,962,695, plus strand): 5'-GTCGCGGGCCAGCTCGTCCTCCGCTATCTCCTGCAGGTGGAACACCGCCACCTGGGCCGA[C>T]GTGCGGCGGACACGCCCGCTTGGGGTCCGCTCCACACCCAGCGGGTCCTCAGCCTCAGGG-3'
Protein context (NP_065764.1, residues 675-695): ERTPSGRVRR[Thr685=]SAQVAVFHLQ

ClinVar aggregate classification (germline): Likely benign (0 of 4 stars; one submission).

Conditions:
ZNF512B-related disorder. Also called: ZNF512B-related condition.

Allele frequency attached by ClinVar (database versions not stated): ExAC 0.00047; ESP Exome Variant Server 0.00093; gnomAD 0.00171; TOPMed 0.00178; 1000 Genomes Project 0.00180; 1000 Genomes Project 30x 0.00187.
gnomAD v4.1: 591 of 1,603,130 alleles (0.037%); highest among the groups gnomAD compares: African/African-American, 0.63%; 2 homozygotes.

Submission:

PreventionGenetics, part of Exact Sciences
Classification: Likely benign for ZNF512B-related condition. Last evaluated: 2019-05-07. Review status: no assertion criteria provided. Collection method: clinical testing. Allele origin: germline.
Comment: This variant is classified as likely benign based on ACMG/AMP sequence variant interpretation guidelines (Richards et al. 2015 PMID: 25741868, with internal and published modifications).